The following is an entry in ClinVar:

ClinVar aggregate classification (germline): Likely benign. Review status: criteria provided, multiple submitters, no conflicts (2 of 4 stars). 2 submissions from 2 submitters: Likely benign (2). Last evaluated 2024-10-23.

Conditions:
Ehlers-Danlos syndrome, classic type, 1 (EDSCL1). Also called: Ehlers-Danlos Syndrome, Classic Type, COL5A1-Related; EDS I; Ehlers-Danlos syndrome, type 1; EHLERS-DANLOS SYNDROME, GRAVIS TYPE; EHLERS-DANLOS SYNDROME, SEVERE CLASSIC TYPE. Identifiers: MedGen C0268335, MONDO:0019567, OMIM 130000.

Allele frequency attached by ClinVar (database versions not stated): TOPMed 0.00002; gnomAD 0.00001; ExAC 0.00002; ESP Exome Variant Server 0.00008; gnomAD exomes 0.00003 and 0.00001.
gnomAD v4.1: 15 of 1,613,768 alleles (0.00093%); highest among the groups gnomAD compares: Admixed American, 0.013%; no homozygotes.

Submissions (2):

Labcorp Genetics (formerly Invitae), Labcorp
Classification: Likely benign for Ehlers-Danlos syndrome, classic type, 1. Last evaluated: 2024-10-23. Review status: criteria provided, single submitter. Criteria: Invitae Variant Classification Sherloc (09022015). Collection method: clinical testing. Allele origin: germline.

GeneDx
Classification: Likely benign. Last evaluated: 2018-01-16. Review status: criteria provided, single submitter. Criteria: GeneDx Variant Classification (06012015). Collection method: clinical testing. Allele origin: germline. Affected: yes.
Comment: This variant is considered likely benign or benign based on one or more of the following criteria: it is a conservative change, it occurs at a poorly conserved position in the protein, it is predicted to be benign by multiple in silico algorithms, and/or has population frequency not consistent with disease.

NM_000093.5(COL5A1):c.4644+16C>T

Genes: COL5A1 (collagen type V alpha 1 chain; plus strand), LOC101448202 (uncharacterized LOC101448202; minus strand). Cytogenetic location: 9q34.3.
Variant type: single nucleotide variant.
Coding change: c.4644+16C>T on transcript NM_000093.5 (MANE Select); 16 bases into the intron after coding-DNA position 4644, C replaced by T.
Molecular consequence: intron variant.
Genome position (GRCh38, 1-based): chr9:134,823,049, C>T. VCF-style: chr9-134823049-C-T. GRCh37 (hg19) VCF-style: chr9-137714895-C-T.
Other names: c.4644+16C>T (NM_001278074.1).
Identifiers: ClinVar variation 514850 (VCV000514850.6), dbSNP rs376268793, ClinGen allele CA5320387.